The following is an entry in ClinVar:

ClinVar aggregate classification (germline): Benign/Likely benign. Review status: criteria provided, multiple submitters, no conflicts (2 of 4 stars). 3 submissions from 3 submitters: Benign (1); Likely benign (1). 1 of the submissions does not count toward it. Last evaluated 2026-08-01.

Conditions:
MAPK8IP3-related disorder. Also called: MAPK8IP3-related condition.

Allele frequency attached by ClinVar (database versions not stated): 1000 Genomes Project 30x 0.00141; 1000 Genomes Project 0.00160; ESP Exome Variant Server 0.00257.
gnomAD v4.1: 6,091 of 1,607,358 alleles (0.38%); highest among the groups gnomAD compares: Middle Eastern, 1.1%; 17 homozygotes.

Submissions (3):

CeGaT Center for Human Genetics Tuebingen
Classification: Benign. Last evaluated: 2026-08-01. Review status: criteria provided, single submitter. Criteria: CeGaT Center For Human Genetics Tuebingen Variant Classification Criteria Version 2. Collection method: clinical testing. Allele origin: germline. Affected: yes. Observed: 39 variant alleles.
Comment: MAPK8IP3: BP4, BS1, BS2

Breakthrough Genomics
Classification: Likely benign. Review status: criteria provided, single submitter. Criteria: ACMG Guidelines, 2015. Collection method: not provided. Allele origin: germline. Inheritance: Autosomal dominant inheritance. Affected: yes.

PreventionGenetics, part of Exact Sciences
Classification: Benign for MAPK8IP3-related condition. Last evaluated: 2019-11-27. Review status: no assertion criteria provided. Collection method: clinical testing. Allele origin: germline. Not counted in ClinVar's aggregate classification.
Comment: This variant is classified as benign based on ACMG/AMP sequence variant interpretation guidelines (Richards et al. 2015 PMID: 25741868, with internal and published modifications).

NM_001318852.2(MAPK8IP3):c.3892+7G>A

Genes: MAPK8IP3 (mitogen-activated protein kinase 8 interacting protein 3; plus strand), LOC130058179 (ATAC-STARR-seq lymphoblastoid active region 10235; plus strand). Cytogenetic location: 16p13.3.
Variant type: single nucleotide variant.
Coding change: c.3892+7G>A on transcript NM_001318852.2 (MANE Select); 7 bases into the intron after coding-DNA position 3892, G replaced by A.
Molecular consequence: intron variant.
Genome position (GRCh38, 1-based): chr16:1,768,633, G>A. VCF-style: chr16-1768633-G-A. GRCh37 (hg19) VCF-style: chr16-1818634-G-A.
Other names: c.3892+7G>A (NM_001318852.1); c.3889+7G>A (NM_015133.5); c.3871+7G>A (NM_001040439.2).
Identifiers: ClinVar variation 1675605 (VCV001675605.34), dbSNP rs146699789, ClinGen allele CA7817888.